The following is an entry in ClinVar:

NM_001267550.2(TTN):c.3344G>A (p.Trp1115Ter)

Gene: TTN (titin; minus strand). Cytogenetic location: 2q31.2.
Variant type: single nucleotide variant.
Coding change: c.3344G>A on transcript NM_001267550.2 (MANE Select); coding-DNA position 3344, G replaced by A.
Protein change: p.Trp1115Ter; replaces tryptophan 1115 with a stop codon.
Molecular consequence: nonsense.
Genome position (GRCh38, 1-based): chr2:178,782,248, C>T on the plus strand (G>A on the coding strand, the complement: TTN is on the minus strand). VCF-style: chr2-178782248-C-T. GRCh37 (hg19) VCF-style: chr2-179646975-C-T.
Other names: c.3344G>A, p.Trp1115Ter (NM_001256850.1, NM_133378.4, NM_133379.5); c.3206G>A, p.Trp1069Ter (NM_003319.4, NM_133432.3, NM_133437.4); short protein forms W1069*, W1115*.
Identifiers: ClinVar variation 1057336 (VCV001057336.9), dbSNP rs2154349662, ClinGen allele CA349486198.

ClinVar aggregate classification (germline): Pathogenic (1 of 4 stars; one submission).

Conditions:
Dilated cardiomyopathy 1G (CMD1G). Identifiers: Orphanet 154, MedGen C1858763, MONDO:0011400, OMIM 604145.
Autosomal recessive limb-girdle muscular dystrophy type 2J (LGMDR10). Also called: Limb-girdle muscular dystrophy, type 2J; MUSCULAR DYSTROPHY, LIMB-GIRDLE, AUTOSOMAL RECESSIVE 10. Identifiers: Orphanet 140922, MedGen C1837342, MONDO:0012127, OMIM 608807.

Submission:

Labcorp Genetics (formerly Invitae), Labcorp
Classification: Pathogenic for Dilated cardiomyopathy 1G; Autosomal recessive limb-girdle muscular dystrophy type 2J. Last evaluated: 2024-12-23. Review status: criteria provided, single submitter. Criteria: Invitae Variant Classification Sherloc (09022015). Collection method: clinical testing. Allele origin: germline.
Comment: This sequence change creates a premature translational stop signal (p.Trp1115*) in the TTN gene. While this is not anticipated to result in nonsense mediated decay, it is expected to create a truncated TTN protein. This variant is not present in population databases (gnomAD no frequency). This premature translational stop signal has been observed in individuals with dilated cardiomyopathy (internal data). ClinVar contains an entry for this variant (Variation ID: 1057336). Algorithms developed to predict the effect of sequence changes on RNA splicing suggest that this variant may disrupt the consensus splice site. This variant is located in the Z band of TTN (PMID: 25589632). Truncating variants in this region have been reported in individuals affected with autosomal recessive centronuclear myopathy (PMID: 33449170, internal data). Truncating variants in this region have also been identified in individuals affected with autosomal dominant dilated cardiomyopathy and/or cardio-related conditions (PMID: 27869827, 32964742, internal data). For these reasons, this variant has been classified as Pathogenic.

Literature cited by the submitters: PubMed 25589632; PubMed 33449170; PubMed 27869827; PubMed 32964742.